The following is an entry in ClinVar:

Conditions:
Breast-ovarian cancer, familial, susceptibility to, 1 (BROVCA1). Also called: BRCA1 Hereditary Breast and Ovarian Cancer; OVARIAN CANCER, SUSCEPTIBILITY TO. Identifiers: Orphanet 145, MedGen C2676676, MONDO:0011450, OMIM 604370. Disease mechanism: loss of function.

Submission:

Brotman Baty Institute, University of Washington
No classification provided (evidence only). Condition: Breast-ovarian cancer, familial 1. Review status: no classification provided. Collection method: in vitro. Allele origin: not applicable. Functional consequence: functionally_normal.
ClinVar note: "not provided" was previously submitted as the classification for the variant. However, the classification appeared to be based only on an observation of functional data so it was converted to no classification on 2025-07-30.

NM_007294.4(BRCA1):c.81-19T>G

Gene: BRCA1 (BRCA1 DNA repair associated; minus strand). Cytogenetic location: 17q21.31.
Variant type: single nucleotide variant.
Coding change: c.81-19T>G on transcript NM_007294.4 (MANE Select); 19 bases into the intron before coding-DNA position 81, T replaced by G.
Molecular consequence: intron variant.
Genome position (GRCh38, 1-based): chr17:43,115,798, A>C on the plus strand (T>G on the coding strand, the complement: BRCA1 is on the minus strand). VCF-style: chr17-43115798-A-C. GRCh37 (hg19) VCF-style: chr17-41267815-A-C.
Other names: c.-61-19T>G (NM_001408458.1, NM_001408470.1, NM_001407848.1 and 47 more transcripts); c.-219+9479T>G (NM_001407967.1); c.-170+9479T>G (NM_001407959.1); c.-7-9265T>G (NM_001407931.1, NM_001407747.1, NM_001408511.1 and 2 more transcripts); c.-223-19T>G (NM_001407962.1, NM_001408512.1, NM_001408510.1 and 1 more transcripts); c.-108-19T>G (NM_001407885.1, NM_001407886.1, NM_001408509.1 and 52 more transcripts); c.-177-19T>G (NM_001407746.1, NM_001408468.1, NM_001407842.1 and 13 more transcripts); c.-8+8219T>G (NM_001408461.1, NM_001407738.1, NM_001407932.1 and 23 more transcripts); and 10 more.
Identifiers: ClinVar variation 867760 (VCV000867760.3), dbSNP rs1567818131, ClinGen allele CA916081086.